The following is an entry in ClinVar:

ClinVar aggregate classification (germline): Uncertain significance (1 of 4 stars; one submission).

Conditions:
Ataxia-telangiectasia syndrome (AT). Also called: Ataxia-telangiectasia, complementation group D; AT, COMPLEMENTATION GROUP C; Ataxia-telangiectasia; Ataxia telangiectasia (A-T); Cerebello-oculocutaneous telangiectasia; Immunodeficiency with ataxia telangiectasia. Identifiers: Orphanet 100, MedGen C0004135, MONDO:0008840, OMIM 208900.

Submission:

Labcorp Genetics (formerly Invitae), Labcorp
Classification: Uncertain significance for Ataxia-telangiectasia syndrome. Last evaluated: 2022-07-06. Review status: criteria provided, single submitter. Criteria: Invitae Variant Classification Sherloc (09022015). Collection method: clinical testing. Allele origin: germline.
Comment: In summary, the available evidence is currently insufficient to determine the role of this variant in disease. Therefore, it has been classified as a Variant of Uncertain Significance. Variants that disrupt the consensus splice site are a relatively common cause of aberrant splicing (PMID: 17576681, 9536098). Algorithms developed to predict the effect of sequence changes on RNA splicing suggest that this variant may disrupt the consensus splice site. This variant has not been reported in the literature in individuals affected with ATM-related conditions. This variant is not present in population databases (gnomAD no frequency). This sequence change falls in intron 18 of the ATM gene. It does not directly change the encoded amino acid sequence of the ATM protein. It affects a nucleotide within the consensus splice site.

Literature cited by the submitters: PubMed 17576681; PubMed 9536098.

NM_000051.4(ATM):c.2838+3del

Gene: ATM (ATM serine/threonine kinase; plus strand). Cytogenetic location: 11q22.3.
Variant type: Deletion.
Coding change: c.2838+3del on transcript NM_000051.4 (MANE Select); 3 bases into the intron after coding-DNA position 2838, one base deleted (G; older notation c.2838+3delG).
Molecular consequence: intron variant.
Genome position (GRCh38, 1-based): chr11:108,268,612, G deleted. VCF-style (leftmost placement, unchanged base first): chr11-108268611-TG-T. GRCh37 (hg19) VCF-style: chr11-108139338-TG-T.
Other names: c.2838+3del (NM_001351834.2).
Identifiers: ClinVar variation 1941436 (VCV001941436.5), dbSNP rs2497640106, ClinGen allele CA2580083188.
Genomic context (GRCh38, chr11:108,268,611, plus strand): 5'-TGTTAATGTTAATTGATTCTAGCACGCTAGAACCTACCAAATCCCTCCACCTGCATATGG[TG>T]AGTTACGTTAAATGAAGAAGCTCTTGGATTTTATCTGATGTTGCTGACTAAATGTAATGA-3'